The following is an entry in ClinVar:

ClinVar aggregate classification (germline): Benign/Likely benign. Review status: criteria provided, multiple submitters, no conflicts (2 of 4 stars). 5 submissions from 5 submitters: Benign (1); Likely benign (4). Last evaluated 2026-09-01.

Conditions:
Hereditary cancer-predisposing syndrome. Also called: Hereditary neoplastic syndrome; Hereditary Cancer Syndrome; Neoplastic Syndromes, Hereditary; Tumor predisposition. Identifiers: Orphanet 140162, MedGen C0027672, MeSH D009386, MONDO:0015356.
Oligodontia-cancer predisposition syndrome. Also called: TOOTH AGENESIS-COLORECTAL CANCER SYNDROME. Identifiers: Orphanet 300576, MedGen C1837750, MONDO:0012075, OMIM 608615. Disease mechanism: loss of function.

Allele frequency attached by ClinVar (database versions not stated): TOPMed 0.00001.

Submissions (5):

CeGaT Center for Human Genetics Tuebingen
Classification: Likely benign. Last evaluated: 2026-09-01. Review status: criteria provided, single submitter. Criteria: CeGaT Center For Human Genetics Tuebingen Variant Classification Criteria Version 2. Collection method: clinical testing. Allele origin: germline. Affected: yes. Observed: 1 variant allele.
Comment: AXIN2: BP4, BP7

Labcorp Genetics (formerly Invitae), Labcorp
Classification: Likely benign for Oligodontia-cancer predisposition syndrome. Last evaluated: 2025-08-25. Review status: criteria provided, single submitter. Criteria: Invitae Variant Classification Sherloc (09022015). Collection method: clinical testing. Allele origin: germline.

Myriad Genetics, Inc.
Classification: Benign for Oligodontia-cancer predisposition syndrome. Last evaluated: 2024-07-02. Review status: criteria provided, single submitter. Criteria: Myriad Autosomal Dominant, Autosomal Recessive and X-Linked Classification Criteria (2023). Collection method: clinical testing. Allele origin: unknown.
Comment: This variant is considered benign. This variant is a silent/synonymous amino acid change and it is not expected to impact splicing.

Sema4
Classification: Likely benign for Hereditary cancer-predisposing syndrome. Last evaluated: 2022-03-10. Review status: criteria provided, single submitter. Criteria: Sema4 Curation Guidelines. Collection method: curation. Allele origin: germline.

Ambry Genetics
Classification: Likely benign for Hereditary cancer-predisposing syndrome. Last evaluated: 2021-03-19. Review status: criteria provided, single submitter. Criteria: Ambry Variant Classification Scheme 2023. Collection method: clinical testing. Allele origin: germline.

NM_004655.4(AXIN2):c.1221C>T (p.Ser407=)

Gene: AXIN2 (axin 2; minus strand). Cytogenetic location: 17q24.1.
Variant type: single nucleotide variant.
Coding change: c.1221C>T on transcript NM_004655.4 (MANE Select); coding-DNA position 1221, C replaced by T.
Protein change: p.Ser407=; no amino-acid change (serine 407 retained).
Molecular consequence: synonymous variant.
Genome position (GRCh38, 1-based): chr17:65,537,815, G>A on the plus strand (C>T on the coding strand, the complement: AXIN2 is on the minus strand). VCF-style: chr17-65537815-G-A. GRCh37 (hg19) VCF-style: chr17-63533933-G-A.
Other names: c.1221C>T, p.Ser407= (NM_001363813.1).
Identifiers: ClinVar variation 764795 (VCV000764795.16), dbSNP rs1000980201, ClinGen allele CA293098501.